The following is an entry in ClinVar:

NM_000552.5(VWF):c.6016G>A (p.Glu2006Lys)

Gene: VWF (von Willebrand factor; minus strand). Cytogenetic location: 12p13.31.
Variant type: single nucleotide variant.
Coding change: c.6016G>A on transcript NM_000552.5 (MANE Select); coding-DNA position 6016, G replaced by A.
Protein change: p.Glu2006Lys; replaces glutamic acid 2006 with lysine.
Molecular consequence: missense variant.
Genome position (GRCh38, 1-based): chr12:5,996,049, C>T on the plus strand (G>A on the coding strand, the complement: VWF is on the minus strand). VCF-style: chr12-5996049-C-T. GRCh37 (hg19) VCF-style: chr12-6105215-C-T.
Other names: short protein forms E2006K.
Identifiers: ClinVar variation 1308070 (VCV001308070.4), dbSNP rs140229844, ClinGen allele CA6402107.

ClinVar aggregate classification (germline): Uncertain significance. Review status: criteria provided, multiple submitters, no conflicts (2 of 4 stars). 3 submissions from 3 submitters: Uncertain significance (3). Last evaluated 2024-04-18.

Conditions:
von Willebrand disease type 1 (VWD1). Also called: VON WILLEBRAND DISEASE, TYPE I; VWD, TYPE 1. Identifiers: Orphanet 166078, Orphanet 903, MedGen C1264039, MONDO:0008668, OMIM 193400. Inheritance: autosomal recessive or autosomal dominant.
von Willebrand disease type 3 (VWD3). Also called: Type 3 Von Willebrand's disease; Type 3 VWD; Von Willebrand disease, severe form; V WD3; VON WILLEBRAND DISEASE, TYPE III. Identifiers: Orphanet 166096, MedGen C1264041, MONDO:0010191, OMIM 277480.
von Willebrand disease type 2 (VWD2). Also called: VON WILLEBRAND DISEASE, TYPE 2A/IIE; VON WILLEBRAND DISEASE, TYPE 2CB; VON WILLEBRAND DISEASE, TYPE II; VWD, TYPE 2. Identifiers: Orphanet 166081, Orphanet 903, MedGen C1264040, MONDO:0013304, OMIM 613554.

Allele frequency attached by ClinVar (database versions not stated): gnomAD exomes 0.00002 and 0.00007; ESP Exome Variant Server 0.00008; ExAC 0.00009; TOPMed 0.00020; gnomAD 0.00021 and 0.00023.
gnomAD v4.1: 57 of 1,613,658 alleles (0.0035%); highest among the groups gnomAD compares: African/African-American, 0.071%; no homozygotes.

Submissions (3):

Fulgent Genetics
Classification: Uncertain significance for von Willebrand disease type 1; von Willebrand disease type 3; von Willebrand disease type 2. Last evaluated: 2024-04-18. Review status: criteria provided, single submitter. Criteria: ACMG Guidelines, 2015. Collection method: clinical testing. Allele origin: germline.

Women's Health and Genetics/Laboratory Corporation of America, LabCorp
Classification: Uncertain significance. Last evaluated: 2023-10-31. Review status: criteria provided, single submitter. Criteria: LabCorp Variant Classification Summary - May 2015. Collection method: clinical testing. Allele origin: germline.
Comment: Variant summary: VWF c.6016G>A (p.Glu2006Lys) results in a conservative amino acid change located in the von Willebrand factor, type D domain (IPR001846) of the encoded protein sequence. Three of five in-silico tools predict a damaging effect of the variant on protein function. The variant allele was found at a frequency of 6.8e-05 in 251260 control chromosomes. To our knowledge, no occurrence of c.6016G>A in individuals affected with Von Willebrand Disease and no experimental evidence demonstrating its impact on protein function have been reported. One submitter has cited clinical-significance assessments for this variant to ClinVar after 2014 and has classified the variant as uncertain significance. Based on the evidence outlined above, the variant was classified as uncertain significance.

GeneDx
Classification: Uncertain significance. Last evaluated: 2019-08-16. Review status: criteria provided, single submitter. Criteria: GeneDx Variant Classification Process June 2021. Collection method: clinical testing. Allele origin: germline. Affected: yes.
Comment: In silico analysis, which includes protein predictors and evolutionary conservation, supports that this variant does not alter protein structure/function. However, splice predictors suggest this variant may impact gene splicing. In the absence of RNA/functional studies, the actual effect of this sequence change is unknown.; Has not been previously published as pathogenic or benign to our knowledge